The following is an entry in ClinVar:

ClinVar aggregate classification (germline): Likely benign (1 of 4 stars; one submission).

Allele frequency attached by ClinVar (database versions not stated): 1000 Genomes Project 30x 0.00406; 1000 Genomes Project 0.00459; TOPMed 0.00597; gnomAD 0.00733; ExAC 0.00759; ESP Exome Variant Server 0.00792; gnomAD exomes 0.00893.

Submission:

CeGaT Center for Human Genetics Tuebingen
Classification: Likely benign. Last evaluated: 2022-12-01. Review status: criteria provided, single submitter. Criteria: CeGaT Center For Human Genetics Tuebingen Variant Classification Criteria Version 2. Collection method: clinical testing. Allele origin: germline. Affected: yes. Observed: 2 variant alleles.
Comment: MUC16: BP4, BP7, BS2

NM_001401501.2(MUC16):c.13749G>A (p.Gly4583=)

Gene: MUC16 (mucin 16, cell surface associated; minus strand). Cytogenetic location: 19p13.2.
Variant type: single nucleotide variant.
Coding change: c.13749G>A on transcript NM_001401501.2 (MANE Select); coding-DNA position 13749, G replaced by A.
Protein change: p.Gly4583=; no amino-acid change (glycine 4583 retained).
Molecular consequence: synonymous variant.
Genome position (GRCh38, 1-based): chr19:8,963,141, C>T on the plus strand (G>A on the coding strand, the complement: MUC16 is on the minus strand). VCF-style: chr19-8963141-C-T. GRCh37 (hg19) VCF-style: chr19-9073817-C-T.
Other names: c.14175G>A, p.Gly4725= (NM_001414686.1); c.13629G>A, p.Gly4543= (NM_001414687.1, NM_024690.2).
Identifiers: ClinVar variation 2649257 (VCV002649257.24), dbSNP rs144982930, ClinGen allele CA9170743.
Genomic context (GRCh38, chr19:8,963,141, plus strand): 5'-TGTAGATGGTTCTGAGCTGACTGGGAGAGTGGAATGCAGTACATGTGCTGAACTGGCAGT[C>T]CCCATATTGGTCACTGCTTTGTTTATGGAAGGATGAATAGTCTCTATATCTGTGGTGGCT-3'
Protein context (NP_001388430.1, residues 4573-4593): PSINKAVTNM[Gly4583=]TASSAHVLHS